The following is an entry in ClinVar:

NC_000002.11:g.(?_215609620)_(215674259_?)del

Gene: BARD1 (BRCA1 associated RING domain 1; minus strand). Cytogenetic location: 2q35.
Variant type: Deletion.
Identifiers: ClinVar variation 2423130 (VCV002423130.4).

ClinVar aggregate classification (germline): Pathogenic (1 of 4 stars; one submission).

Conditions:
Familial cancer of breast. Also called: Hereditary breast cancer; hereditary breast carcinoma; BREAST CANCER, FAMILIAL. Identifiers: Orphanet 227535, MedGen C0346153, MONDO:0016419, OMIM 114480. Disease mechanism: loss of function.

Submission:

Labcorp Genetics (formerly Invitae), Labcorp
Classification: Pathogenic for Familial cancer of breast. Last evaluated: 2022-08-19. Review status: criteria provided, single submitter. Criteria: Invitae Variant Classification Sherloc (09022015). Collection method: clinical testing. Allele origin: germline.
Comment: For these reasons, this variant has been classified as Pathogenic. This variant disrupts a region of the BARD1 protein in which other variant(s) (p.Cys71Tyr) have been determined to be pathogenic (PMID: 26350354, 29367421; Invitae). This suggests that this is a clinically significant region of the protein, and that variants that disrupt it are likely to be disease-causing. This variant has not been reported in the literature in individuals affected with BARD1-related conditions. This variant results in the deletion of exons 2-9 and part of exon 1 (c.35_1903+171del) of the BARD1 gene. It is expected to disrupt RNA splicing. Variants that disrupt the donor or acceptor splice site typically lead to a loss of protein function (PMID: 16199547), and loss-of-function variants in BARD1 are known to be pathogenic (PMID: 20077502, 21344236).

Literature cited by the submitters: PubMed 26350354; PubMed 29367421; PubMed 16199547; PubMed 20077502; PubMed 21344236.